The following is an entry in ClinVar:

ClinVar aggregate classification (germline): Likely benign (0 of 4 stars; one submission).

Conditions:
SEMA3F-related disorder. Also called: SEMA3F-related condition.

Allele frequency attached by ClinVar (database versions not stated): gnomAD exomes 0.00001; gnomAD 0.00002; ExAC 0.00003; TOPMed 0.00006; ESP Exome Variant Server 0.00008.
gnomAD v4.1: 25 of 1,613,420 alleles (0.0015%); highest among the groups gnomAD compares: Admixed American, 0.01%; no homozygotes.

Submission:

PreventionGenetics, part of Exact Sciences
Classification: Likely benign for SEMA3F-related condition. Last evaluated: 2022-12-29. Review status: no assertion criteria provided. Collection method: clinical testing. Allele origin: germline.
Comment: This variant is classified as likely benign based on ACMG/AMP sequence variant interpretation guidelines (Richards et al. 2015 PMID: 25741868, with internal and published modifications).

NM_004186.5(SEMA3F):c.2061C>T (p.His687=)

Gene: SEMA3F (semaphorin 3F; plus strand). Cytogenetic location: 3p21.31.
Variant type: single nucleotide variant.
Coding change: c.2061C>T on transcript NM_004186.5 (MANE Select); coding-DNA position 2061, C replaced by T.
Protein change: p.His687=; no amino-acid change (histidine 687 retained).
Molecular consequence: synonymous variant.
Genome position (GRCh38, 1-based): chr3:50,187,818, C>T. VCF-style: chr3-50187818-C-T. GRCh37 (hg19) VCF-style: chr3-50225251-C-T.
Other names: c.1764C>T, p.His588= (NM_001318798.2); c.1968C>T, p.His656= (NM_001318800.2).
Identifiers: ClinVar variation 3030839 (VCV003030839.2), dbSNP rs370754057, ClinGen allele CA2412322.
Genomic context (GRCh38, chr3:50,187,818, plus strand): 5'-ACTGCAGCTCAGCGATCGTGGCCTCTACTCCTGCACAGCCACTGAGAACAACTTTAAGCA[C>T]GTCGTCACACGAGTGCAGCTGCATGTACTGGGCCGGGACGCCGTCCATGCTGCCCTCTTC-3'
Protein context (NP_004177.3, residues 677-697): SCTATENNFK[His687=]VVTRVQLHVL